The following is an entry in ClinVar:

NM_000243.3(MEFV):c.803C>T (p.Ala268Val)

Gene: MEFV (MEFV innate immunity regulator, pyrin; minus strand). Cytogenetic location: 16p13.3.
Variant type: single nucleotide variant.
Coding change: c.803C>T on transcript NM_000243.3 (MANE Select); coding-DNA position 803, C replaced by T.
Protein change: p.Ala268Val; replaces alanine 268 with valine.
Molecular consequence: missense variant. On other transcripts: intron variant (1).
Genome position (GRCh38, 1-based): chr16:3,254,265, G>A on the plus strand (C>T on the coding strand, the complement: MEFV is on the minus strand). VCF-style: chr16-3254265-G-A. GRCh37 (hg19) VCF-style: chr16-3304265-G-A.
Other names: c.277+2046C>T (NM_001198536.2); short protein forms A268V.
Identifiers: ClinVar variation 97546 (VCV000097546.12), dbSNP rs104895123, ClinGen allele CA280661.

ClinVar aggregate classification (germline): Conflicting classifications of pathogenicity. Review status: criteria provided, conflicting classifications (1 of 4 stars). 8 submissions from 6 submitters: Uncertain significance (4); Likely benign (2). 2 of the submissions do not count toward it. Last evaluated 2023-02-08.

Conditions:
Familial Mediterranean fever (FMF). Also called: POLYSEROSITIS, FAMILIAL PAROXYSMAL; POLYSEROSITIS, RECURRENT; Periodic peritonitis; Benign paroxysmal peritonitis. Identifiers: Orphanet 342, MedGen C0031069, MONDO:0018088, OMIM 249100. Disease mechanism: gain of function.
Familial Mediterranean fever, autosomal dominant. Also called: FMF, AUTOSOMAL DOMINANT; Dominant Familial Mediterranean Fever. Identifiers: Orphanet 342, MedGen C1851347, MONDO:0007601, OMIM 134610.
Acute febrile neutrophilic dermatosis (AFND). Also called: Gomm Button disease; Sweet Syndrome. Identifiers: Orphanet 3243, MedGen C0085077, MONDO:0011959, OMIM 608068.

gnomAD v4.1: 6 of 1,614,266 alleles (0.00037%); highest among the groups gnomAD compares: Non-Finnish European, 0.00051%; no homozygotes.

Submissions (8):

Genome-Nilou Lab
Classification: Uncertain significance for Familial Mediterranean fever. Last evaluated: 2023-02-08. Review status: criteria provided, single submitter. Criteria: ACMG Guidelines, 2015. Collection method: clinical testing. Allele origin: germline.

Genome-Nilou Lab
Classification: Likely benign for Familial Mediterranean fever, autosomal dominant. Last evaluated: 2023-02-08. Review status: criteria provided, single submitter. Criteria: ACMG Guidelines, 2015. Collection method: clinical testing. Allele origin: germline.

Genome-Nilou Lab
Classification: Likely benign for Acute febrile neutrophilic dermatosis. Last evaluated: 2023-02-08. Review status: criteria provided, single submitter. Criteria: ACMG Guidelines, 2015. Collection method: clinical testing. Allele origin: germline.

Labcorp Genetics (formerly Invitae), Labcorp
Classification: Uncertain significance for Familial Mediterranean fever. Last evaluated: 2021-09-02. Review status: criteria provided, single submitter. Criteria: Invitae Variant Classification Sherloc (09022015). Collection method: clinical testing. Allele origin: germline.
Comment: This sequence change replaces alanine with valine at codon 268 of the MEFV protein (p.Ala268Val). The alanine residue is weakly conserved and there is a small physicochemical difference between alanine and valine. This variant is not present in population databases (ExAC no frequency). This variant has not been reported in the literature in individuals affected with MEFV-related conditions. ClinVar contains an entry for this variant (Variation ID: 97546). Algorithms developed to predict the effect of missense changes on protein structure and function (SIFT, PolyPhen-2, Align-GVGD) all suggest that this variant is likely to be tolerated. In summary, the available evidence is currently insufficient to determine the role of this variant in disease. Therefore, it has been classified as a Variant of Uncertain Significance.

Fulgent Genetics
Classification: Uncertain significance for Familial Mediterranean fever, autosomal dominant; Familial Mediterranean fever; Acute febrile neutrophilic dermatosis. Last evaluated: 2021-07-11. Review status: criteria provided, single submitter. Criteria: ACMG Guidelines, 2015. Collection method: clinical testing. Allele origin: unknown.

Mendelics
Classification: Uncertain significance for Familial Mediterranean fever. Last evaluated: 2019-05-28. Review status: criteria provided, single submitter. Criteria: Mendelics Assertion Criteria 2017. Collection method: clinical testing. Allele origin: unknown.

Natera, Inc.
Classification: Uncertain significance for Familial Mediterranean fever. Last evaluated: 2020-10-07. Review status: no assertion criteria provided. Collection method: clinical testing. Allele origin: germline. Not counted in ClinVar's aggregate classification.

Unité médicale des maladies autoinflammatoires, CHRU Montpellier
No classification provided. Condition: Familial Mediterranean fever. Review status: no classification provided. Collection method: not provided. Allele origin: unknown. Not counted in ClinVar's aggregate classification.